The following is an entry in ClinVar:

NM_004415.4(DSP):c.5744G>A (p.Arg1915His)

Gene: DSP (desmoplakin; plus strand). Cytogenetic location: 6p24.3.
Variant type: single nucleotide variant.
Coding change: c.5744G>A on transcript NM_004415.4 (MANE Select); coding-DNA position 5744, G replaced by A.
Protein change: p.Arg1915His; replaces arginine 1915 with histidine.
Molecular consequence: missense variant.
Genome position (GRCh38, 1-based): chr6:7,583,006, G>A. VCF-style: chr6-7583006-G-A. GRCh37 (hg19) VCF-style: chr6-7583239-G-A.
Other names: c.3947G>A, p.Arg1316His (NM_001008844.3); c.4415G>A, p.Arg1472His (NM_001319034.2); short protein forms R1915H, R1472H, R1316H.
Identifiers: ClinVar variation 44931 (VCV000044931.29), dbSNP rs146617683, ClinGen allele CA006581.

ClinVar aggregate classification (germline): Conflicting classifications of pathogenicity. Review status: criteria provided, conflicting classifications (1 of 4 stars). 9 submissions from 9 submitters: Uncertain significance (7); Likely benign (2). Last evaluated 2026-01-20.

Conditions:
Cardiovascular phenotype. Identifiers: MedGen CN230736.
Arrhythmogenic cardiomyopathy with wooly hair and keratoderma. Also called: Dilated cardiomyopathy with woolly hair and keratoderma; Arrhythmogenic cardiomyopathy with woolly hair and keratoderma; PALMOPLANTAR KERATODERMA WITH LEFT VENTRICULAR CARDIOMYOPATHY AND WOOLLY HAIR; Carvajal syndrome. Identifiers: Orphanet 65282, MedGen C1854063, MONDO:0011581, OMIM 605676.
Arrhythmogenic right ventricular dysplasia 8 (ARVD8). Also called: Arrhythmogenic Right Ventricular Dysplasia/Cardiomyopathy 8; ARRHYTHMOGENIC RIGHT VENTRICULAR DYSPLASIA, FAMILIAL, 8; ARRHYTHMOGENIC RIGHT VENTRICULAR CARDIOMYOPATHY 8. Identifiers: MedGen C1843896, MONDO:0011831, OMIM 607450.
Cardiomyopathy (CMYO). Also called: Cardiomyopathies. Identifiers: Orphanet 167848, MedGen C0878544, MONDO:0004994, HP:0001638. Inheritance: Various modes of inheritance.
Primary familial dilated cardiomyopathy (FDC). Also called: Hypokinetic dilated cardiomyopathy, familial; Familial dilated cardiomyopathy. Identifiers: Orphanet 217607, MedGen C0340427, MONDO:0016333.
Palmoplantar blistering. Identifiers: MedGen C4024876, HP:0007446.
Skin fragility with non-scarring blistering. Identifiers: MedGen C1851562, HP:0007585.

Allele frequency attached by ClinVar (database versions not stated): gnomAD exomes 0.00002 and 0.00013; gnomAD 0.00011 and 0.00013; ESP Exome Variant Server 0.00015; ExAC 0.00017; TOPMed 0.00018; 1000 Genomes Project 0.00060; 1000 Genomes Project 30x 0.00094.
gnomAD v4.1: 59 of 1,614,070 alleles (0.0037%); highest among the groups gnomAD compares: East Asian, 0.033%; no homozygotes.

Submissions (9):

Labcorp Genetics (formerly Invitae), Labcorp
Classification: Likely benign for Arrhythmogenic cardiomyopathy with wooly hair and keratoderma; Arrhythmogenic right ventricular dysplasia 8. Last evaluated: 2026-01-20. Review status: criteria provided, single submitter. Criteria: Invitae Variant Classification Sherloc (09022015). Collection method: clinical testing. Allele origin: germline.

All of Us Research Program, National Institutes of Health
Classification: Uncertain significance for Arrhythmogenic cardiomyopathy with wooly hair and keratoderma. Last evaluated: 2024-09-23. Review status: criteria provided, single submitter. Criteria: ACMG Guidelines, 2015. Collection method: clinical testing. Allele origin: germline. Inheritance: Autosomal dominant inheritance. Observed: 14 variant alleles, 14 heterozygotes.
Comment: This missense variant replaces arginine with histidine at codon 1915 of the DSP protein. Computational prediction suggests that this variant may not impact protein structure and function (internally defined REVEL score threshold <= 0.5, PMID: 27666373). To our knowledge, functional studies have not been reported for this variant. This variant has not been reported in individuals affected with cardiovascular disorders in the literature. This variant has been identified in 39/282514 chromosomes in the general population by the Genome Aggregation Database (gnomAD). The available evidence is insufficient to determine the role of this variant in disease conclusively. Therefore, this variant is classified as a Variant of Uncertain Significance.

This study involves interpretation of variants in research participants for the purpose of population health screening. Participant phenotype was not available at the time of variant classification. Additional details can be found in publication PMID: 35346344, PMCID: PMC8962531

Color Diagnostics, LLC DBA Color Health
Classification: Uncertain significance for Cardiomyopathy. Last evaluated: 2024-04-30. Review status: criteria provided, single submitter. Criteria: ACMG Guidelines, 2015. Collection method: clinical testing. Allele origin: germline.
Comment: This missense variant replaces arginine with histidine at codon 1915 of the DSP protein. Computational prediction suggests that this variant may not impact protein structure and function (internally defined REVEL score threshold <= 0.5, PMID: 27666373). To our knowledge, functional studies have not been reported for this variant. This variant has not been reported in individuals affected with cardiovascular disorders in the literature. This variant has been identified in 39/282514 chromosomes in the general population by the Genome Aggregation Database (gnomAD). The available evidence is insufficient to determine the role of this variant in disease conclusively. Therefore, this variant is classified as a Variant of Uncertain Significance.

Revvity Omics, Revvity
Classification: Uncertain significance. Last evaluated: 2023-09-24. Review status: criteria provided, single submitter. Criteria: ACMG Guidelines, 2015. Collection method: clinical testing. Allele origin: germline.

Laboratory for Molecular Medicine, Mass General Brigham Personalized Medicine
Classification: Uncertain significance. Last evaluated: 2022-04-01. Review status: criteria provided, single submitter. Criteria: ACMG Guidelines, 2015. Collection method: clinical testing. Allele origin: germline.
Comment: The p.Arg1915His variant in DSP has been reported by our laboratory in 1 individual with HCM, 1 individual with DCM, and 1 individual with ARVC (LMM data). It has also been identified in 0.08% (15/19944) of East Asian chromosomes by gnomAD. This variant has also been reported in ClinVar (Variation ID 44931). Computational prediction tools and conservation analyses do not provide strong support for or against an impact to the protein. In summary, the clinical significance of this variant is uncertain. ACMG/AMP Criteria applied: BS1_P.

Ambry Genetics
Classification: Likely benign for Cardiovascular phenotype. Last evaluated: 2021-11-30. Review status: criteria provided, single submitter. Criteria: Ambry Variant Classification Scheme 2023. Collection method: clinical testing. Allele origin: germline.

GeneDx
Classification: Uncertain significance. Last evaluated: 2017-07-11. Review status: criteria provided, single submitter. Criteria: GeneDx Variant Classification (06012015). Collection method: clinical testing. Allele origin: germline. Affected: yes.
Comment: A variant of uncertain significance has been identified in the DSP gene. The R1915H variant has not been published as pathogenic or been reported as benign to our knowledge. This variant is observed in 7/8640 (0.08%) alleles from individuals of East Asian ancestry and in 7/10306 (0.07%) alleles from individuals of African ancestry in the Exome Aggregation Consortium (ExAC) dataset (Lek et al., 2016; Exome Variant Server). The R1915H variant is a conservative amino acid substitution, which is not likely to impact secondary protein structure as these residues share similar properties. This substitution occurs at a position that is only conserved in mammals. Finally, in silico analysis is inconsistent in its predictions as to whether or not the variant is damaging to the protein structure/function.

Centre for Mendelian Genomics, University Medical Centre Ljubljana
Classification: Uncertain significance for Palmoplantar blistering; Skin fragility with non-scarring blistering. Last evaluated: 2017-01-01. Review status: criteria provided, single submitter. Criteria: ACMG Guidelines, 2015. Collection method: clinical testing. Allele origin: unknown. Affected: yes.

Molecular Diagnostic Laboratory for Inherited Cardiovascular Disease, Montreal Heart Institute
Classification: Uncertain significance for Primary familial dilated cardiomyopathy. Last evaluated: 2016-11-28. Review status: criteria provided, single submitter. Criteria: ACMG Guidelines, 2015. Collection method: clinical testing. Allele origin: germline. Affected: yes.

Literature cited by the submitters: PubMed 26265630 (cited by Ambry Genetics).